The following is an entry in ClinVar:

ClinVar aggregate classification (germline): Pathogenic/Likely pathogenic. Review status: criteria provided, multiple submitters, no conflicts (2 of 4 stars). 3 submissions from 3 submitters: Pathogenic (2); Likely pathogenic (1). Last evaluated 2026-07-20.

Conditions:
Juvenile polyposis syndrome (JPS). Identifiers: Orphanet 2929, MedGen C0345893, MONDO:0017380, OMIM 174900.
SMAD4-related disorder. Also called: SMAD4-Related disorders; SMAD4-related condition.
Juvenile polyposis/hereditary hemorrhagic telangiectasia syndrome (JPHT). Also called: JP/HHT SYNDROME; JUVENILE POLYPOSIS WITH HEREDITARY HEMORRHAGIC TELANGIECTASIA; POLYPOSIS, GENERALIZED JUVENILE, WITH PULMONARY ARTERIOVENOUS MALFORMATION; TELANGIECTASIA, HEREDITARY HEMORRHAGIC, WITH JUVENILE POLYPOSIS COLI; Juvenile Polyposis Syndrome / Hereditary Hemorrhagic Telangiectasia (JPS/HHT). Identifiers: Orphanet 2929, MedGen C1832942, MONDO:0008278, OMIM 175050.

Submissions (3):

Victorian Clinical Genetics Services, Murdoch Childrens Research Institute
Classification: Pathogenic for Juvenile polyposis/hereditary hemorrhagic telangiectasia syndrome. Last evaluated: 2026-07-20. Review status: criteria provided, single submitter. Criteria: ACMG Guidelines, 2015. Collection method: clinical testing. Allele origin: germline. Affected: yes.
Comment: This variant is classified as Pathogenic. Evidence in support of pathogenic classification: Variant is absent from gnomAD (v2, v3 and v4); This variant has moderate previous evidence of pathogenicity in unrelated individuals. This variant has been classified as pathogenic by a clinical laboratory in ClinVar and reported in the literature in multiple individuals with JP-HTT or juvenile polyposis without hereditary haemorrhagic telangiectasia (PMID:15031030, 15235019, 18823382); Other missense variants comparable to the one identified in this case have very strong previous evidence for pathogenicity. Alternative missense changes at this codon to cysteine, histidine, serine and leucine have been classified as likely pathogenic/pathogenic in ClinVar and reported in the literature in individuals with juvenile polyposis/hereditary haemorrhagic telangiectasia syndrome (JP-HTT) (PMID:16613914, 22331366); Missense variant predicted to be damaging by in silico tool(s) or highly conserved with a major amino acid change; Strong phenotype match for this individual. Additional information: Variant is predicted to result in a missense amino acid change from Arg to Gly; This variant is heterozygous; This gene is associated with autosomal dominant disease; Alternative amino acid change(s) at the same position are present in gnomAD (highest allele count: v4: 1 heterozygote(s), 0 homozygote(s)); Variant is located in the annotated MH2 domain (DECIPHER); Loss of function is a known mechanism of disease, whilst dominant negative and gain of function are likely mechanisms of disease in this gene. Premature termination variants resulting in a loss of function are associated with juvenile intestinal polyposis (MIM#174900) and juvenile polyposis/hereditary haemorrhagic telangiectasia syndrome (MIM#175050) (OMIM). Missense variants are associated with Myhre syndrome (MIM#139210). Functional analysis on missense variants shows both gain of function and dominant negative effects at the same residue (PMIDs: 22158539, 36194927); Parental origin of the variant is unresolved.

Labcorp Genetics (formerly Invitae), Labcorp
Classification: Pathogenic for Juvenile polyposis syndrome. Last evaluated: 2025-04-28. Review status: criteria provided, single submitter. Criteria: Invitae Variant Classification Sherloc (09022015). Collection method: clinical testing. Allele origin: germline.
Comment: This sequence change replaces arginine, which is basic and polar, with glycine, which is neutral and non-polar, at codon 361 of the SMAD4 protein (p.Arg361Gly). This variant is not present in population databases (gnomAD no frequency). This missense change has been observed in individual(s) with juvenile polyposis and/or SMAD4-related conditions (PMID: 15031030, 18823382). In at least one individual the variant was observed to be de novo. ClinVar contains an entry for this variant (Variation ID: 24830). Invitae Evidence Modeling incorporating data from in vitro experimental studies (internal data) indicates that this missense variant is expected to disrupt SMAD4 function with a positive predictive value of 80%. This variant disrupts the p.Arg361 amino acid residue in SMAD4. Other variant(s) that disrupt this residue have been determined to be pathogenic (PMID: 9811934, 17873119, 20101697, 27595937). This suggests that this residue is clinically significant, and that variants that disrupt this residue are likely to be disease-causing. For these reasons, this variant has been classified as Pathogenic.

Blueprint Genetics
Classification: Likely pathogenic for SMAD4-related disorders. Last evaluated: 2024-01-17. Review status: criteria provided, single submitter. Criteria: ACMG Guidelines, 2015. Collection method: clinical testing. Allele origin: germline. Affected: yes. Observed: 3 variant alleles.

Literature cited by the submitters: PubMed 18823382 (cited by Victorian Clinical Genetics Services, Murdoch Childrens Research Institute and Labcorp Genetics (formerly Invitae), Labcorp); PubMed 22331366 (cited by Victorian Clinical Genetics Services, Murdoch Childrens Research Institute); PubMed 15031030 (cited by Victorian Clinical Genetics Services, Murdoch Childrens Research Institute and Labcorp Genetics (formerly Invitae), Labcorp); PubMed 16613914 (cited by Victorian Clinical Genetics Services, Murdoch Childrens Research Institute); PubMed 22158539 (cited by Victorian Clinical Genetics Services, Murdoch Childrens Research Institute); PubMed 36194927 (cited by Victorian Clinical Genetics Services, Murdoch Childrens Research Institute); PubMed 15235019 (cited by Victorian Clinical Genetics Services, Murdoch Childrens Research Institute); PubMed 9811934 (cited by Labcorp Genetics (formerly Invitae), Labcorp); PubMed 17873119 (cited by Labcorp Genetics (formerly Invitae), Labcorp); PubMed 20101697 (cited by Labcorp Genetics (formerly Invitae), Labcorp); PubMed 27595937 (cited by Labcorp Genetics (formerly Invitae), Labcorp).

NM_005359.6(SMAD4):c.1081C>G (p.Arg361Gly)

Gene: SMAD4 (SMAD family member 4; plus strand). Cytogenetic location: 18q21.2.
Variant type: single nucleotide variant.
Coding change: c.1081C>G on transcript NM_005359.6 (MANE Select); coding-DNA position 1081, C replaced by G.
Protein change: p.Arg361Gly; replaces arginine 361 with glycine.
Molecular consequence: missense variant.
Genome position (GRCh38, 1-based): chr18:51,065,548, C>G. VCF-style: chr18-51065548-C-G. GRCh37 (hg19) VCF-style: chr18-48591918-C-G.
Other names: short protein forms R361G.
Identifiers: ClinVar variation 24830 (VCV000024830.12), dbSNP rs80338963, ClinGen allele CA128092.